The following is an entry in ClinVar:

NM_017780.4(CHD7):c.311A>G (p.Gln104Arg)

Gene: CHD7 (chromodomain helicase DNA binding protein 7; plus strand). Cytogenetic location: 8q12.2.
Variant type: single nucleotide variant.
Coding change: c.311A>G on transcript NM_017780.4 (MANE Select); coding-DNA position 311, A replaced by G.
Protein change: p.Gln104Arg; replaces glutamine 104 with arginine.
Molecular consequence: missense variant.
Genome position (GRCh38, 1-based): chr8:60,741,743, A>G. VCF-style: chr8-60741743-A-G. GRCh37 (hg19) VCF-style: chr8-61654302-A-G.
Other names: c.311A>G, p.Gln104Arg (NM_001316690.1); short protein forms Q104R.
Identifiers: ClinVar variation 2580746 (VCV002580746.4), dbSNP rs1809032711, ClinGen allele CA371297090.

ClinVar aggregate classification (germline): Uncertain significance. Review status: criteria provided, multiple submitters, no conflicts (2 of 4 stars). 2 submissions from 2 submitters: Uncertain significance (2). Last evaluated 2025-03-13.

Conditions:
CHARGE syndrome (CHARGE). Also called: Hittner Hirsch Kreh syndrome; CHARGE ASSOCIATION--COLOBOMA, HEART ANOMALY, CHOANAL ATRESIA, RETARDATION, GENITAL AND EAR ANOMALIES; Coloboma, heart anomaly, choanal atresia, retardation, genital and ear anomalies; CHARGE association; Hall-Hittner syndrome. Identifiers: Orphanet 138, MedGen C0265354, MONDO:0008965.

Allele frequency attached by ClinVar (database versions not stated): TOPMed below 0.00001; gnomAD 0.00001.
gnomAD v4.1: 1 of 1,613,866 alleles (0.000062%); highest among the groups gnomAD compares: Admixed American, 0.0017%; no homozygotes.

Submissions (2):

Labcorp Genetics (formerly Invitae), Labcorp
Classification: Uncertain significance for CHARGE syndrome. Last evaluated: 2025-03-13. Review status: criteria provided, single submitter. Criteria: Invitae Variant Classification Sherloc (09022015). Collection method: clinical testing. Allele origin: germline.
Comment: This sequence change replaces glutamine, which is neutral and polar, with arginine, which is basic and polar, at codon 104 of the CHD7 protein (p.Gln104Arg). This variant is not present in population databases (gnomAD no frequency). This variant has not been reported in the literature in individuals affected with CHD7-related conditions. ClinVar contains an entry for this variant (Variation ID: 2580746). Invitae Evidence Modeling of protein sequence and biophysical properties (such as structural, functional, and spatial information, amino acid conservation, physicochemical variation, residue mobility, and thermodynamic stability) indicates that this missense variant is not expected to disrupt CHD7 protein function with a negative predictive value of 95%. In summary, the available evidence is currently insufficient to determine the role of this variant in disease. Therefore, it has been classified as a Variant of Uncertain Significance.

GeneDx
Classification: Uncertain significance. Last evaluated: 2023-03-20. Review status: criteria provided, single submitter. Criteria: GeneDx Variant Classification Process June 2021. Collection method: clinical testing. Allele origin: germline. Affected: yes.
Comment: Not observed at significant frequency in large population cohorts (gnomAD); In silico analysis supports that this missense variant does not alter protein structure/function; Has not been previously published as pathogenic or benign to our knowledge